The following is an entry in ClinVar:

ClinVar aggregate classification (germline): Uncertain significance. Review status: criteria provided, multiple submitters, no conflicts (2 of 4 stars). 2 submissions from 2 submitters: Uncertain significance (2). Last evaluated 2025-12-13.

Conditions:
Inborn genetic diseases. Identifiers: MedGen C0950123, MeSH D030342.

Allele frequency attached by ClinVar (database versions not stated): gnomAD 0.00001; TOPMed 0.00002.
gnomAD v4.1: 10 of 1,614,062 alleles (0.00062%); highest among the groups gnomAD compares: Non-Finnish European, 0.00085%; no homozygotes.

Submissions (2):

Labcorp Genetics (formerly Invitae), Labcorp
Classification: Uncertain significance. Last evaluated: 2025-12-13. Review status: criteria provided, single submitter. Criteria: Invitae Variant Classification Sherloc (09022015). Collection method: clinical testing. Allele origin: germline.
Comment: This sequence change replaces methionine, which is neutral and non-polar, with valine, which is neutral and non-polar, at codon 493 of the FN1 protein (p.Met493Val). This variant is not present in population databases (gnomAD no frequency). This variant has not been reported in the literature in individuals affected with FN1-related conditions. ClinVar contains an entry for this variant (Variation ID: 3095940). An algorithm developed to predict the effect of missense changes on protein structure and function (PolyPhen-2) suggests that this variant is likely to be disruptive. In summary, the available evidence is currently insufficient to determine the role of this variant in disease. Therefore, it has been classified as a Variant of Uncertain Significance.

Ambry Genetics
Classification: Uncertain significance for Inborn genetic diseases. Last evaluated: 2023-12-28. Review status: criteria provided, single submitter. Criteria: Ambry Variant Classification Scheme 2023. Collection method: clinical testing. Allele origin: germline.

NM_212482.4(FN1):c.1477A>G (p.Met493Val)

Gene: FN1 (fibronectin 1; minus strand). Cytogenetic location: 2q35.
Variant type: single nucleotide variant.
Coding change: c.1477A>G on transcript NM_212482.4 (MANE Select); coding-DNA position 1477, A replaced by G.
Protein change: p.Met493Val; replaces methionine 493 with valine.
Molecular consequence: missense variant.
Genome position (GRCh38, 1-based): chr2:215,422,160, T>C on the plus strand (A>G on the coding strand, the complement: FN1 is on the minus strand). VCF-style: chr2-215422160-T-C. GRCh37 (hg19) VCF-style: chr2-216286883-T-C.
Other names: c.1477A>G, p.Met493Val (NM_001306129.2, NM_001306130.2, NM_001306131.2 and 14 more transcripts); short protein forms M493V.
Identifiers: ClinVar variation 3095940 (VCV003095940.2), dbSNP rs886960105, ClinGen allele CA64828610.